The following is an entry in ClinVar:

ClinVar aggregate classification (germline): Uncertain significance (1 of 4 stars; one submission).

Conditions:
Nephrotic syndrome. Identifiers: MedGen C0027726, MONDO:0005377, HP:0000100.

Submission:

Clinical Genomics Laboratory, Washington University in St. Louis
Classification: Uncertain significance for Nephrotic syndrome. Last evaluated: 2025-06-04. Review status: criteria provided, single submitter. Criteria: ACMG Guidelines, 2015. Collection method: clinical testing. Allele origin: germline.
Comment: The FAT1 c.-19+1G>T variant, to our knowledge, has not been reported in the medical literature and is only observed on 3/151,618 alleles in the general population (gnomAD v.4.1.0), indicating it is not a common variant. This variant occurs within the canonical splice donor site, which is predicted to cause altered splicing, but the predicted outcome is uncertain due to this exon occurring in the 5' untranslated region. Due to limited information, the clinical significance of this variant is uncertain.

NM_005245.4(FAT1):c.-19+1G>T

Gene: FAT1 (FAT atypical cadherin 1; minus strand). Cytogenetic location: 4q35.2.
Variant type: single nucleotide variant.
Coding change: c.-19+1G>T on transcript NM_005245.4 (MANE Select); the canonical splice donor site of the intron after 19 bases upstream of the start codon, G replaced by T.
Molecular consequence: splice donor variant. On other transcripts: intron variant (2).
Genome position (GRCh38, 1-based): chr4:186,723,663, C>A on the plus strand (G>T on the coding strand, the complement: FAT1 is on the minus strand). VCF-style: chr4-186723663-C-A. GRCh37 (hg19) VCF-style: chr4-187644817-C-A.
Other names: c.-19+2691G>T (NM_001440455.1, NM_001440456.1); c.-19+1G>T (NM_001440457.1).
Identifiers: ClinVar variation 4279803 (VCV004279803.1).
Genomic context (GRCh38, chr4:186,723,663, plus strand): 5'-GCACCGCAGCGCGCTGCACGCTCTCGCCCCCGCCCGCCGGCCCGCGCCCCAGCGAACTAA[C>A]CGCAAAGTTGGCCCGAAGTGGCGACGGCGCTCTCGTGGAGCTCACCCGCCGTCTCAGCGC-3'